The following is an entry in ClinVar:

NM_174889.5(NDUFAF2):c.300A>T (p.Ile100=)

Gene: NDUFAF2 (NADH:ubiquinone oxidoreductase complex assembly factor 2; plus strand). Cytogenetic location: 5q12.1.
Variant type: single nucleotide variant.
Coding change: c.300A>T on transcript NM_174889.5 (MANE Select); coding-DNA position 300, A replaced by T.
Protein change: p.Ile100=; no amino-acid change (isoleucine 100 retained).
Molecular consequence: synonymous variant.
Genome position (GRCh38, 1-based): chr5:61,152,745, A>T. VCF-style: chr5-61152745-A-T. GRCh37 (hg19) VCF-style: chr5-60448572-A-T.
Other names: p.I100I:ATA>ATT; p.Ile100=.
Identifiers: ClinVar variation 214737 (VCV000214737.16), dbSNP rs191388646, ClinGen allele CA322362.

ClinVar aggregate classification (germline): Benign/Likely benign. Review status: criteria provided, multiple submitters, no conflicts (2 of 4 stars). 6 submissions from 5 submitters: Benign (4); Likely benign (2). Last evaluated 2026-01-27.

Conditions:
Leigh syndrome (NULS). Also called: LEIGH SYNDROME, NUCLEAR; Leigh Disease; Leigh's necrotizing encephalopathy; Leigh's disease; Leigh Syndrome (mtDNA deletion); Subacute necrotizing encephalopathy. Identifiers: Orphanet 506, MedGen C2931891, MONDO:0009723, OMIM 256000.
Mitochondrial complex I deficiency, nuclear type 1. Also called: NADH-COENZYME Q REDUCTASE DEFICIENCY; MITOCHONDRIAL NADH DEHYDROGENASE COMPONENT OF COMPLEX I, DEFICIENCY OF. Identifiers: MedGen C6022305, MONDO:0100224, OMIM 252010.

Allele frequency attached by ClinVar (database versions not stated): gnomAD exomes 0.00045 and 0.00125; ExAC 0.00284; ESP Exome Variant Server 0.00507; gnomAD 0.00543 and 0.00585; TOPMed 0.00566; 1000 Genomes Project 0.00599; 1000 Genomes Project 30x 0.00625.
gnomAD v4.1: 1,503 of 1,586,708 alleles (0.095%); highest among the groups gnomAD compares: African/African-American, 1.9%; 18 homozygotes.

Submissions (6):

Labcorp Genetics (formerly Invitae), Labcorp
Classification: Benign. Last evaluated: 2026-01-27. Review status: criteria provided, single submitter. Criteria: Invitae Variant Classification Sherloc (09022015). Collection method: clinical testing. Allele origin: germline.

Mayo Clinic Laboratories, Mayo Clinic
Classification: Benign. Last evaluated: 2023-11-07. Review status: criteria provided, single submitter. Criteria: ACMG Guidelines, 2015. Collection method: clinical testing. Allele origin: germline. Observed: 7 variant alleles.
Comment: BS1, BS2, BP4, BP7

Illumina Laboratory Services, Illumina
Classification: Likely benign for Mitochondrial complex I deficiency, nuclear type 1. Last evaluated: 2018-01-12. Review status: criteria provided, single submitter. Criteria: ICSL Variant Classification Criteria 13 December 2019. Collection method: clinical testing. Allele origin: germline.
Comment: This variant was observed in the ICSL laboratory as part of a predisposition screen in an ostensibly healthy population. It had not been previously curated by ICSL or reported in the Human Gene Mutation Database (HGMD: prior to June 1st, 2018), and was therefore a candidate for classification through an automated scoring system. Utilizing variant allele frequency, disease prevalence and penetrance estimates, and inheritance mode, an automated score was calculated to assess if this variant is too frequent to cause the disease. Based on the score and internal cut-off values, a variant classified as likely benign is not then subjected to further curation. The score for this variant resulted in a classification of likely benign for this disease.

Illumina Laboratory Services, Illumina
Classification: Benign for Leigh syndrome. Last evaluated: 2018-01-12. Review status: criteria provided, single submitter. Criteria: ICSL Variant Classification Criteria 13 December 2019. Collection method: clinical testing. Allele origin: germline.
Comment: This variant was observed in the ICSL laboratory as part of a predisposition screen in an ostensibly healthy population. It had not been previously curated by ICSL or reported in the Human Gene Mutation Database (HGMD: prior to June 1st, 2018), and was therefore a candidate for classification through an automated scoring system. Utilizing variant allele frequency, disease prevalence and penetrance estimates, and inheritance mode, an automated score was calculated to assess if this variant is too frequent to cause the disease. Based on the score and internal cut-off values, a variant classified as benign is not then subjected to further curation. The score for this variant resulted in a classification of benign for this disease.

GeneDx
Classification: Benign. Last evaluated: 2014-10-29. Review status: criteria provided, single submitter. Criteria: GeneDx Variant Classification (06012015). Collection method: clinical testing. Allele origin: germline. Affected: yes.
Comment: This variant is considered likely benign or benign based on one or more of the following criteria: it is a conservative change, it occurs at a poorly conserved position in the protein, it is predicted to be benign by multiple in silico algorithms, and/or has population frequency not consistent with disease.

Breakthrough Genomics
Classification: Likely benign. Review status: criteria provided, single submitter. Criteria: ACMG Guidelines, 2015. Collection method: not provided. Allele origin: germline. Inheritance: Autosomal recessive inheritance. Affected: yes.